The following is an entry in ClinVar:

ClinVar aggregate classification (germline): Conflicting classifications of pathogenicity. Review status: criteria provided, conflicting classifications (1 of 4 stars). 4 submissions from 4 submitters: Pathogenic (2); Likely pathogenic (1); Uncertain significance (1). Last evaluated 2025-12-29.

Conditions:
Pontoneocerebellar hypoplasia. Also called: Non-syndromic pontocerebellar hypoplasia; Pontocerebellar hypoplasia. Identifiers: Orphanet 98523, MedGen C1261175, MONDO:0020135.
Pontocerebellar hypoplasia type 2B (PCH2B). Identifiers: Orphanet 2524, MedGen C2676466, MONDO:0012890, OMIM 612389.

Allele frequency attached by ClinVar (database versions not stated): gnomAD 0.00001.
gnomAD v4.1: 30 of 1,613,790 alleles (0.0019%); highest among the groups gnomAD compares: Non-Finnish European, 0.0025%; no homozygotes.

Submissions (4):

Labcorp Genetics (formerly Invitae), Labcorp
Classification: Pathogenic. Last evaluated: 2025-12-29. Review status: criteria provided, single submitter. Criteria: Invitae Variant Classification Sherloc (09022015). Collection method: clinical testing. Allele origin: germline.
Comment: This sequence change creates a premature translational stop signal (p.Lys320*) in the TSEN2 gene. It is expected to result in an absent or disrupted protein product. Loss-of-function variants in TSEN2 are known to be pathogenic (PMID: 20952379, 38438125). This variant is present in population databases (no rsID available, gnomAD 0.002%). This variant has not been reported in the literature in individuals affected with TSEN2-related conditions. ClinVar contains an entry for this variant (Variation ID: 2682520). Algorithms developed to predict the effect of sequence changes on RNA splicing suggest that this variant may disrupt the consensus splice site. For these reasons, this variant has been classified as Pathogenic.

Blueprint Genetics
Classification: Uncertain significance. Last evaluated: 2024-10-25. Review status: criteria provided, single submitter. Criteria: ACMG Guidelines, 2015. Collection method: clinical testing. Allele origin: germline.

Women's Health and Genetics/Laboratory Corporation of America, LabCorp
Classification: Pathogenic for Pontoneocerebellar hypoplasia. Last evaluated: 2023-11-14. Review status: criteria provided, single submitter. Criteria: LabCorp Variant Classification Summary - May 2015. Collection method: clinical testing. Allele origin: germline.
Comment: Variant summary: TSEN2 c.958A>T (p.Lys320X) results in a premature termination codon, predicted to cause absence of the protein due to nonsense mediated decay, which is a commonly known mechanism for disease. The variant allele was found at a frequency of 8e-06 in 251406 control chromosomes (gnomAD). To our knowledge, no occurrence of c.958A>T in individuals affected with Pontocerebellar Hypoplasia, Type 2B and no experimental evidence demonstrating its impact on protein function have been reported. No submitters have cited clinical-significance assessments for this variant to ClinVar after 2014. Based on the evidence outlined above, the variant was classified as pathogenic.

Juno Genomics, Hangzhou Juno Genomics, Inc
Classification: Likely pathogenic for Pontocerebellar hypoplasia type 2B. Review status: criteria provided, single submitter. Criteria: ACMG Guidelines, 2015. Collection method: clinical testing. Allele origin: germline. Affected: yes.
Comment: Null variant in a gene where loss of function (LOF) is a known mechanism of disease.;Absent from controls (or at extremely low frequency if recessive) in Genome Aggregation Database, Exome Sequencing Project, 1000 Genomes Project, or Exome Aggregation Consortium.

Literature cited by the submitters: PubMed 20952379 (cited by Labcorp Genetics (formerly Invitae), Labcorp); PubMed 38438125 (cited by Labcorp Genetics (formerly Invitae), Labcorp).

NM_025265.4(TSEN2):c.958A>T (p.Lys320Ter)

Gene: TSEN2 (tRNA splicing endonuclease subunit 2; plus strand). Cytogenetic location: 3p25.2.
Variant type: single nucleotide variant.
Coding change: c.958A>T on transcript NM_025265.4 (MANE Select); coding-DNA position 958, A replaced by T.
Protein change: p.Lys320Ter; replaces lysine 320 with a stop codon.
Molecular consequence: nonsense. On other transcripts: non-coding transcript variant (1).
Genome position (GRCh38, 1-based): chr3:12,516,659, A>T. VCF-style: chr3-12516659-A-T. GRCh37 (hg19) VCF-style: chr3-12558158-A-T.
Other names: c.958A>T, p.Lys320Ter (NM_001145392.2, NM_001321277.2, NM_001321278.2); c.880A>T, p.Lys294Ter (NM_001145393.3, NM_001321279.2); c.781A>T, p.Lys261Ter (NM_001145394.2); short protein forms K261*, K294*, K320*.
Identifiers: ClinVar variation 2682520 (VCV002682520.5), dbSNP rs774323175, ClinGen allele CA351474872.
Genomic context (GRCh38, chr3:12,516,659, plus strand): 5'-CTGTATTTTCAGGCCTTTTTCTTGGTCTATGCTCTGGGATGTTTAAGTATTTACTATGAG[A>T]AGGTAAGATGCTTTGTTTACATACAACCCACTTAAAATTTCCCTGTTGTTAAAAGCAGGT-3'